The following is an entry in ClinVar:

NM_004273.5(CHST3):c.244G>A (p.Glu82Lys)

Gene: CHST3 (carbohydrate sulfotransferase 3; plus strand). Cytogenetic location: 10q22.1.
Variant type: single nucleotide variant.
Coding change: c.244G>A on transcript NM_004273.5 (MANE Select); coding-DNA position 244, G replaced by A.
Protein change: p.Glu82Lys; replaces glutamic acid 82 with lysine.
Molecular consequence: missense variant.
Genome position (GRCh38, 1-based): chr10:72,007,275, G>A. VCF-style: chr10-72007275-G-A. GRCh37 (hg19) VCF-style: chr10-73767033-G-A.
Other names: short protein forms E82K.
Identifiers: ClinVar variation 300556 (VCV000300556.9), dbSNP rs368468468, ClinGen allele CA5548047.
Genomic context (GRCh38, chr10:72,007,275, plus strand): 5'-GCCAACAGCACCGACCCAGCCCTGATCTTAGCTGAGAACGCATCTCTCTTGTCCCTGAGC[G>A]AGCTCGATTCAGCCTTCTCCCAGCTTCAGAGCCGTCTCCGCAACCTCAGCTTGCAGCTGG-3'
Protein context (NP_004264.2, residues 72-92): AENASLLSLS[Glu82Lys]LDSAFSQLQS

ClinVar aggregate classification (germline): Uncertain significance (1 of 4 stars; one submission).

Conditions:
Spondyloepiphyseal dysplasia with congenital joint dislocations (SEDCJD). Also called: Chondrodysplasia with Congenital Joint Dislocations, CHST3-Related. Identifiers: Orphanet 263463, MedGen C1837657, MONDO:0007738, OMIM 143095.

Allele frequency attached by ClinVar (database versions not stated): ExAC 0.00002; gnomAD exomes 0.00002; gnomAD 0.00003; TOPMed 0.00003; ESP Exome Variant Server 0.00008.
gnomAD v4.1: 34 of 1,614,018 alleles (0.0021%); highest among the groups gnomAD compares: African/African-American, 0.0027%; no homozygotes.

Submission:

Labcorp Genetics (formerly Invitae), Labcorp
Classification: Uncertain significance for Spondyloepiphyseal dysplasia with congenital joint dislocations. Last evaluated: 2026-01-24. Review status: criteria provided, single submitter. Criteria: Invitae Variant Classification Sherloc (09022015). Collection method: clinical testing. Allele origin: germline.
Comment: This sequence change replaces glutamic acid, which is acidic and polar, with lysine, which is basic and polar, at codon 82 of the CHST3 protein (p.Glu82Lys). This variant is present in population databases (rs368468468, gnomAD 0.004%). This variant has not been reported in the literature in individuals affected with CHST3-related conditions. ClinVar contains an entry for this variant (Variation ID: 300556). Invitae Evidence Modeling of protein sequence and biophysical properties (such as structural, functional, and spatial information, amino acid conservation, physicochemical variation, residue mobility, and thermodynamic stability) indicates that this missense variant is not expected to disrupt CHST3 protein function with a negative predictive value of 95%. In summary, the available evidence is currently insufficient to determine the role of this variant in disease. Therefore, it has been classified as a Variant of Uncertain Significance.